The following is an entry in ClinVar:

NM_000264.5(PTCH1):c.3449+1G>A

Gene: PTCH1 (patched 1; minus strand). Cytogenetic location: 9q22.32.
Variant type: single nucleotide variant.
Coding change: c.3449+1G>A on transcript NM_000264.5 (MANE Select); the canonical splice donor site of the intron after coding-DNA position 3449, G replaced by A.
Molecular consequence: splice donor variant.
Genome position (GRCh38, 1-based): chr9:95,453,477, C>T on the plus strand (G>A on the coding strand, the complement: PTCH1 is on the minus strand). VCF-style: chr9-95453477-C-T. GRCh37 (hg19) VCF-style: chr9-98215759-C-T.
Other names: c.3446+1G>A (NM_001083603.3); c.3251+1G>A (NM_001083602.3); c.3293+1G>A (NM_001354918.2); c.2996+1G>A (NM_001083605.3, NM_001083604.3, NM_001083606.3 and 1 more transcripts).
Identifiers: ClinVar variation 215985 (VCV000215985.7), dbSNP rs863224442, ClinGen allele CA336067.

ClinVar aggregate classification (germline): Pathogenic (1 of 4 stars; one submission).

Conditions:
Gorlin syndrome. Also called: Nevoid Basal Cell Carcinoma Syndrome; Basal cell nevus syndrome. Identifiers: Orphanet 377, MedGen C0004779, MONDO:0007187.

Submission:

Labcorp Genetics (formerly Invitae), Labcorp
Classification: Pathogenic for Gorlin syndrome. Last evaluated: 2020-08-10. Review status: criteria provided, single submitter. Criteria: Invitae Variant Classification Sherloc (09022015). Collection method: clinical testing. Allele origin: germline.
Comment: This sequence change affects a donor splice site in intron 20 of the PTCH1 gene. It is expected to disrupt RNA splicing and likely results in an absent or disrupted protein product. For these reasons, this variant has been classified as Pathogenic. Donor and acceptor splice site variants typically lead to a loss of protein function (PMID: 16199547), and loss-of-function variants in PTCH1 are known to be pathogenic (PMID: 16301862, 16419085). Experimental studies have shown that this variant disrupts mRNA splicing (PMID: 27561271). This variant has been observed in individual(s) with clinical features of basal cell nevus syndrome (PMID: 27561271). ClinVar contains an entry for this variant (Variation ID: 215985). This variant is not present in population databases (ExAC no frequency).

Literature cited by the submitters: PubMed 16199547; PubMed 16301862; PubMed 16419085; PubMed 27561271.